The following is an entry in ClinVar:

ClinVar aggregate classification (germline): Benign. Review status: criteria provided, multiple submitters, no conflicts (2 of 4 stars). 14 submissions from 13 submitters: Benign (11). 3 of the submissions do not count toward it. Last evaluated 2026-02-03.

Conditions:
NODAL-related disorder. Also called: NODAL-related disorders; NODAL-related condition. Identifiers: MedGen CN239298.
Holoprosencephaly sequence (HPE). Also called: Holoprosencephaly. Identifiers: Orphanet 2162, MedGen C0079541, MONDO:0016296, HP:0001360.
Heterotaxy, visceral, 5, autosomal (HTX5). Also called: Heterotaxy, visceral, 5. Identifiers: Orphanet 450, MedGen C3495537, MONDO:0700112, OMIM 270100.

Allele frequency attached by ClinVar (database versions not stated): ESP Exome Variant Server 0.53860; gnomAD 0.56006 and 0.57001; ExAC 0.61715; TOPMed 0.56880; gnomAD exomes 0.58381 and 0.61789; 1000 Genomes Project 0.66573; 1000 Genomes Project 30x 0.65881.
gnomAD v4.1: 940,147 of 1,613,808 alleles (58%); highest among the groups gnomAD compares: East Asian, 95%; 278,726 homozygotes.

Submissions (14):

Labcorp Genetics (formerly Invitae), Labcorp
Classification: Benign for Heterotaxy, visceral, 5, autosomal. Last evaluated: 2026-02-03. Review status: criteria provided, single submitter. Criteria: Invitae Variant Classification Sherloc (09022015). Collection method: clinical testing. Allele origin: germline.

ARUP Laboratories, Molecular Genetics and Genomics, ARUP Laboratories
Classification: Benign for Heterotaxy, visceral, 5, autosomal. Last evaluated: 2025-03-27. Review status: criteria provided, single submitter. Criteria: ARUP Molecular Germline Variant Investigation Process 2024. Collection method: clinical testing. Allele origin: germline.

Blueprint Genetics
Classification: Benign. Last evaluated: 2024-11-27. Review status: criteria provided, single submitter. Criteria: ACMG Guidelines, 2015. Collection method: clinical testing. Allele origin: germline.

Mayo Clinic Laboratories, Mayo Clinic
Classification: Benign. Last evaluated: 2022-03-20. Review status: criteria provided, single submitter. Criteria: ACMG Guidelines, 2015. Collection method: clinical testing. Allele origin: germline. Observed: 19 variant alleles.
Comment: BA1

Genome-Nilou Lab
Classification: Benign for Heterotaxy, visceral, 5, autosomal. Last evaluated: 2021-09-05. Review status: criteria provided, single submitter. Criteria: ACMG Guidelines, 2015. Collection method: clinical testing. Allele origin: germline. Affected: no.

Illumina Laboratory Services, Illumina
Classification: Benign for Holoprosencephaly sequence. Last evaluated: 2018-01-12. Review status: criteria provided, single submitter. Criteria: ICSL Variant Classification Criteria 13 December 2019. Collection method: clinical testing. Allele origin: germline.
Comment: This variant was observed in the ICSL laboratory as part of a predisposition screen in an ostensibly healthy population. It had not been previously curated by ICSL or reported in the Human Gene Mutation Database (HGMD: prior to June 1st, 2018), and was therefore a candidate for classification through an automated scoring system. Utilizing variant allele frequency, disease prevalence and penetrance estimates, and inheritance mode, an automated score was calculated to assess if this variant is too frequent to cause the disease. Based on the score and internal cut-off values, a variant classified as benign is not then subjected to further curation. The score for this variant resulted in a classification of benign for this disease.

Illumina Laboratory Services, Illumina
Classification: Benign for Heterotaxy, visceral, 5, autosomal. Last evaluated: 2018-01-12. Review status: criteria provided, single submitter. Criteria: ICSL Variant Classification Criteria 13 December 2019. Collection method: clinical testing. Allele origin: germline.
Comment: the same text as in the submission from Illumina Laboratory Services, Illumina above.

Laboratory for Molecular Medicine, Mass General Brigham Personalized Medicine
Classification: Benign. Last evaluated: 2016-03-29. Review status: criteria provided, single submitter. Criteria: LMM Criteria. Collection method: clinical testing. Allele origin: germline.
Comment: Variant identified in a genome or exome case(s) and assessed due to predicted null impact of the variant or pathogenic assertions in the literature or databases. Disclaimer: This variant has not undergone full assessment. The following are preliminary notes: Frequency

GeneDx
Classification: Benign. Last evaluated: 2015-03-03. Review status: criteria provided, single submitter. Criteria: GeneDx Variant Classification (06012015). Collection method: clinical testing. Allele origin: germline. Affected: yes.
Comment: This variant is associated with the following publications: (PMID: 25765999, 19553149)

Eurofins Ntd Llc (ga)
Classification: Benign. Last evaluated: 2013-07-03. Review status: criteria provided, single submitter. Criteria: EGL Classification Definitions 2015. Collection method: clinical testing. Allele origin: germline. Observed: 1 variant allele, 1 heterozygote.

Breakthrough Genomics
Classification: Benign. Review status: criteria provided, single submitter. Criteria: ACMG Guidelines, 2015. Collection method: not provided. Allele origin: germline. Inheritance: Autosomal dominant inheritance. Affected: yes.

PreventionGenetics, part of Exact Sciences
Classification: Benign for NODAL-related condition. Last evaluated: 2021-04-07. Review status: no assertion criteria provided. Collection method: clinical testing. Allele origin: germline. Not counted in ClinVar's aggregate classification.
Comment: This variant is classified as benign based on ACMG/AMP sequence variant interpretation guidelines (Richards et al. 2015 PMID: 25741868, with internal and published modifications).

Clinical Genetics DNA and cytogenetics Diagnostics Lab, Erasmus MC, Erasmus Medical Center
Classification: Benign. Review status: no assertion criteria provided. Collection method: clinical testing. Allele origin: germline. Affected: yes. Study: VKGL Data-share Consensus. Not counted in ClinVar's aggregate classification.

Joint Genome Diagnostic Labs from Nijmegen and Maastricht, Radboudumc and MUMC+
Classification: Likely benign. Review status: no assertion criteria provided. Collection method: clinical testing. Allele origin: germline. Affected: yes. Study: VKGL Data-share Consensus. Not counted in ClinVar's aggregate classification.

NM_018055.5(NODAL):c.494A>G (p.His165Arg)

Gene: NODAL (nodal growth differentiation factor; minus strand). Cytogenetic location: 10q22.1.
Variant type: single nucleotide variant.
Coding change: c.494A>G on transcript NM_018055.5 (MANE Select); coding-DNA position 494, A replaced by G.
Protein change: p.His165Arg; replaces histidine 165 with arginine.
Molecular consequence: missense variant.
Genome position (GRCh38, 1-based): chr10:70,435,683, T>C on the plus strand (A>G on the coding strand, the complement: NODAL is on the minus strand). VCF-style: chr10-70435683-T-C. GRCh37 (hg19) VCF-style: chr10-72195439-T-C.
Other names: c.95A>G, p.His32Arg (NM_001329906.2); short protein forms H165R, H32R.
Identifiers: ClinVar variation 95882 (VCV000095882.43), dbSNP rs1904589, ClinGen allele CA149000.